The following is an entry in ClinVar:

NM_002582.4(PARN):c.853A>G (p.Ile285Val)

Gene: PARN (poly(A)-specific ribonuclease; minus strand). Cytogenetic location: 16p13.12.
Variant type: single nucleotide variant.
Coding change: c.853A>G on transcript NM_002582.4 (MANE Select); coding-DNA position 853, A replaced by G.
Protein change: p.Ile285Val; replaces isoleucine 285 with valine.
Molecular consequence: missense variant.
Genome position (GRCh38, 1-based): chr16:14,593,366, T>C on the plus strand (A>G on the coding strand, the complement: PARN is on the minus strand). VCF-style: chr16-14593366-T-C. GRCh37 (hg19) VCF-style: chr16-14687223-T-C.
Other names: c.853A>G, p.Ile285Val (LRG_1286t1); c.670A>G, p.Ile224Val (NM_001134477.3); c.715A>G, p.Ile239Val (NM_001242992.2); short protein forms I224V, I239V, I285V.
Identifiers: ClinVar variation 639688 (VCV000639688.11), dbSNP rs376031010, ClinGen allele CA7912254.

ClinVar aggregate classification (germline): Uncertain significance. Review status: criteria provided, multiple submitters, no conflicts (2 of 4 stars). 3 submissions from 3 submitters: Uncertain significance (3). Last evaluated 2026-01-24.

Conditions:
Dyskeratosis congenita, autosomal recessive 6 (DKCB6). Identifiers: MedGen C4225356, MONDO:0014600, OMIM 616353.
Pulmonary fibrosis and/or bone marrow failure, Telomere-related, 4. Also called: PULMONARY FIBROSIS AND/OR BONE MARROW FAILURE SYNDROME, TELOMERE-RELATED, 4. Identifiers: Orphanet 2032, MedGen C4225347, MONDO:0014612, OMIM 616371.
Inborn genetic diseases. Identifiers: MedGen C0950123, MeSH D030342.

Allele frequency attached by ClinVar (database versions not stated): TOPMed 0.00005; ExAC 0.00005; 1000 Genomes Project 0.00140; gnomAD exomes 0.00003 and 0.00009; 1000 Genomes Project 30x 0.00109; gnomAD 0.00009 and 0.00001.
gnomAD v4.1: 72 of 1,596,068 alleles (0.0045%); highest among the groups gnomAD compares: East Asian, 0.085%; no homozygotes.

Submissions (3):

Labcorp Genetics (formerly Invitae), Labcorp
Classification: Uncertain significance for Dyskeratosis congenita, autosomal recessive 6; Pulmonary fibrosis and/or bone marrow failure, Telomere-related, 4. Last evaluated: 2026-01-24. Review status: criteria provided, single submitter. Criteria: Invitae Variant Classification Sherloc (09022015). Collection method: clinical testing. Allele origin: germline.
Comment: This sequence change replaces isoleucine, which is neutral and non-polar, with valine, which is neutral and non-polar, at codon 285 of the PARN protein (p.Ile285Val). This variant is present in population databases (rs376031010, gnomAD 0.1%). This variant has not been reported in the literature in individuals affected with PARN-related conditions. ClinVar contains an entry for this variant (Variation ID: 639688). Invitae Evidence Modeling of protein sequence and biophysical properties (such as structural, functional, and spatial information, amino acid conservation, physicochemical variation, residue mobility, and thermodynamic stability) indicates that this missense variant is not expected to disrupt PARN protein function with a negative predictive value of 80%. In summary, the available evidence is currently insufficient to determine the role of this variant in disease. Therefore, it has been classified as a Variant of Uncertain Significance.

Ambry Genetics
Classification: Uncertain significance for Inborn genetic diseases. Last evaluated: 2025-08-05. Review status: criteria provided, single submitter. Criteria: Ambry Variant Classification Scheme 2023. Collection method: clinical testing. Allele origin: germline.

Fulgent Genetics
Classification: Uncertain significance for Dyskeratosis congenita, autosomal recessive 6; Pulmonary fibrosis and/or bone marrow failure, Telomere-related, 4. Last evaluated: 2024-06-15. Review status: criteria provided, single submitter. Criteria: ACMG Guidelines, 2015. Collection method: clinical testing. Allele origin: germline.